The following is an entry in ClinVar:

ClinVar aggregate classification (germline): Likely benign. Review status: criteria provided, multiple submitters, no conflicts (2 of 4 stars). 4 submissions from 4 submitters: Likely benign (4). Last evaluated 2025-08-09.

Conditions:
Marfan syndrome (MFS). Also called: MARFAN SYNDROME, TYPE I; FBN1-Related Marfan Syndrome; Marfan syndrome type 1; Marfan's syndrome; Marfan syndrome, classic. Identifiers: Orphanet 284963, Orphanet 558, MedGen C0024796, MONDO:0007947, OMIM 154700.
Familial thoracic aortic aneurysm and aortic dissection (TAAD). Also called: Thoracic aortic aneurysms and dissections. Identifiers: Orphanet 91387, MedGen C4707243, MONDO:0019625.
Geleophysic dysplasia 2 (GPHYSD2). Identifiers: Orphanet 2623, MedGen C3280054, MONDO:0013612, OMIM 614185.
Weill-Marchesani syndrome 2, dominant. Also called: Weill-Marchesani Syndrome, Autosomal Dominant; FBN1-Related Weill-Marchesani Syndrome. Identifiers: Orphanet 2084, MedGen C1869115, MONDO:0012013, OMIM 608328.
Ectopia lentis 1, isolated, autosomal dominant (ECTOL1). Identifiers: Orphanet 1885, MedGen C3541518, MONDO:0007514, OMIM 129600.
Stiff skin syndrome (SSKS). Identifiers: Orphanet 2833, MedGen C1861456, MONDO:0008492, OMIM 184900.
MASS syndrome (OCTD). Also called: MASS PHENOTYPE; OVERLAP CONNECTIVE TISSUE DISEASE. Identifiers: MedGen C1858556, MONDO:0011431, OMIM 604308.
Acromicric dysplasia (ACMICD). Also called: Acromicric skeletal dysplasia. Identifiers: Orphanet 969, MedGen C0265287, MONDO:0007055, OMIM 102370.
Progeroid and marfanoid aspect-lipodystrophy syndrome. Also called: MARFANOID-PROGEROID SYNDROME; MARFAN-PROGEROID-LIPODYSTROPHY SYNDROME; Marfan lipodystrophy syndrome; MARFANOID-PROGEROID-LIPODYSTROPHY SYNDROME. Identifiers: Orphanet 300382, MedGen C4310796, MONDO:0014831, OMIM 616914.

Allele frequency attached by ClinVar (database versions not stated): TOPMed below 0.00001.

Submissions (4):

Labcorp Genetics (formerly Invitae), Labcorp
Classification: Likely benign for Marfan syndrome; Familial thoracic aortic aneurysm and aortic dissection. Last evaluated: 2025-08-09. Review status: criteria provided, single submitter. Criteria: Invitae Variant Classification Sherloc (09022015). Collection method: clinical testing. Allele origin: germline.

All of Us Research Program, National Institutes of Health
Classification: Likely benign for Marfan syndrome. Last evaluated: 2024-03-14. Review status: criteria provided, single submitter. Criteria: ACMG Guidelines, 2015. Collection method: clinical testing. Allele origin: germline. Inheritance: Autosomal dominant inheritance. Observed: 2 variant alleles, 2 heterozygotes.
Comment: This study involves interpretation of variants in research participants for the purpose of population health screening. Participant phenotype was not available at the time of variant classification. Additional details can be found in publication PMID: 35346344, PMCID: PMC8962531

Ambry Genetics
Classification: Likely benign for Familial thoracic aortic aneurysm and aortic dissection. Last evaluated: 2023-02-12. Review status: criteria provided, single submitter. Criteria: Ambry Variant Classification Scheme 2023. Collection method: clinical testing. Allele origin: germline.

Fulgent Genetics
Classification: Likely benign for Acromicric dysplasia; Ectopia lentis 1, isolated, autosomal dominant; Marfan syndrome; Stiff skin syndrome; MASS syndrome; Weill-Marchesani syndrome 2, dominant; Geleophysic dysplasia 2; Progeroid and marfanoid aspect-lipodystrophy syndrome. Last evaluated: 2021-11-07. Review status: criteria provided, single submitter. Criteria: ACMG Guidelines, 2015. Collection method: clinical testing. Allele origin: unknown.

NM_000138.5(FBN1):c.5031C>T (p.Asp1677=)

Gene: FBN1 (fibrillin 1; minus strand). Cytogenetic location: 15q21.1.
Variant type: single nucleotide variant.
Coding change: c.5031C>T on transcript NM_000138.5 (MANE Select); coding-DNA position 5031, C replaced by T.
Protein change: p.Asp1677=; no amino-acid change (aspartic acid 1677 retained).
Molecular consequence: synonymous variant.
Genome position (GRCh38, 1-based): chr15:48,463,933, G>A on the plus strand (C>T on the coding strand, the complement: FBN1 is on the minus strand). VCF-style: chr15-48463933-G-A. GRCh37 (hg19) VCF-style: chr15-48756130-G-A.
Identifiers: ClinVar variation 700067 (VCV000700067.12), dbSNP rs1597545860, ClinGen allele CA490025917.
Genomic context (GRCh38, chr15:48,463,933, plus strand): 5'-CATTACTGAGAAAAGCTTGGACTTACCCATGCAATTATTTCCCCCATTCACTTGCATGTA[G>A]TCTGGAGGACAGATACAGGTGTAGTTGCCAACGGTGTTGTAACATGTCCCTGGACCACAG-3'
Protein context (NP_000129.3, residues 1667-1687): VGNYTCICPP[Asp1677=]YMQVNGGNNC